The following is an entry in ClinVar:

NM_000135.4(FANCA):c.4335C>T (p.Asp1445=)

Genes: FANCA (FA complementation group A; minus strand), ZNF276 (zinc finger protein 276; plus strand). Cytogenetic location: 16q24.3.
Variant type: single nucleotide variant.
Coding change: c.4335C>T on transcript NM_000135.4 (MANE Select); coding-DNA position 4335, C replaced by T.
Protein change: p.Asp1445=; no amino-acid change (aspartic acid 1445 retained).
Molecular consequence: synonymous variant. On other transcripts: 3 prime UTR variant (3), non-coding transcript variant (4).
Genome position (GRCh38, 1-based): chr16:89,738,634, G>A on the plus strand (C>T on the coding strand, the complement: FANCA is on the minus strand). VCF-style: chr16-89738634-G-A. GRCh37 (hg19) VCF-style: chr16-89805042-G-A.
Other names: c.4335C>T (NM_000135.3); c.*64C>T (NM_001286167.3); c.*388G>A (NM_001113525.2, NM_152287.4).
Identifiers: ClinVar variation 696165 (VCV000696165.38), dbSNP rs374830555, ClinGen allele CA8250567.
Genomic context (GRCh38, chr16:89,738,634, plus strand): 5'-TGGGCTGGTGTGCAGTGGCAGGTCCCGTCAGAAGAGATGAGGCTCCTGGGACAGGTCAGC[G>A]TCAGGGGCAGCCTGCTGTCTGCTCTGGAGGGCGGCGCTCACCTCTGGGTCGCAGTCCCCA-3'
Protein context (NP_000126.2, residues 1435-1455): ALQSRQQAAP[Asp1445=]ADLSQEPHLF

ClinVar aggregate classification (germline): Likely benign. Review status: criteria provided, multiple submitters, no conflicts (2 of 4 stars). 6 submissions from 6 submitters: Likely benign (6). Last evaluated 2026-01-15.

Conditions:
Fanconi anemia (FA). Also called: Fanconi's anemia. Identifiers: Orphanet 84, MedGen C0015625, MeSH D005199, MONDO:0019391.
Inborn genetic diseases. Identifiers: MedGen C0950123, MeSH D030342.

Allele frequency attached by ClinVar (database versions not stated): TOPMed 0.00003; 1000 Genomes Project 0.00020; 1000 Genomes Project 30x 0.00031.
gnomAD v4.1: 75 of 1,613,668 alleles (0.0046%); highest among the groups gnomAD compares: Middle Eastern, 0.017%; no homozygotes.

Submissions (6):

Labcorp Genetics (formerly Invitae), Labcorp
Classification: Likely benign for Fanconi anemia. Last evaluated: 2026-01-15. Review status: criteria provided, single submitter. Criteria: Invitae Variant Classification Sherloc (09022015). Collection method: clinical testing. Allele origin: germline.

Quest Diagnostics Nichols Institute San Juan Capistrano
Classification: Likely benign. Last evaluated: 2025-10-01. Review status: criteria provided, single submitter. Criteria: Quest Diagnostics criteria. Collection method: clinical testing. Allele origin: unknown.

CeGaT Center for Human Genetics Tuebingen
Classification: Likely benign. Last evaluated: 2025-04-01. Review status: criteria provided, single submitter. Criteria: CeGaT Center For Human Genetics Tuebingen Variant Classification Criteria Version 2. Collection method: clinical testing. Allele origin: germline. Affected: yes. Observed: 2 variant alleles.
Comment: FANCA: BP4, BP7

Ambry Genetics
Classification: Likely benign for Inborn genetic diseases. Last evaluated: 2024-10-15. Review status: criteria provided, single submitter. Criteria: Ambry Variant Classification Scheme 2023. Collection method: clinical testing. Allele origin: germline.

Blueprint Genetics
Classification: Likely benign. Last evaluated: 2024-10-02. Review status: criteria provided, single submitter. Criteria: ACMG Guidelines, 2015. Collection method: clinical testing. Allele origin: germline.

Sema4
Classification: Likely benign for Fanconi anemia. Last evaluated: 2021-12-28. Review status: criteria provided, single submitter. Criteria: Sema4 Curation Guidelines. Collection method: curation. Allele origin: germline.